The following is an entry in ClinVar:

ClinVar aggregate classification (germline): Uncertain significance (1 of 4 stars; one submission).

Submission:

Labcorp Genetics (formerly Invitae), Labcorp
Classification: Uncertain significance. Last evaluated: 2022-04-22. Review status: criteria provided, single submitter. Criteria: Invitae Variant Classification Sherloc (09022015). Collection method: clinical testing. Allele origin: germline.
Comment: In summary, the available evidence is currently insufficient to determine the role of this variant in disease. Therefore, it has been classified as a Variant of Uncertain Significance. Advanced modeling of protein sequence and biophysical properties (such as structural, functional, and spatial information, amino acid conservation, physicochemical variation, residue mobility, and thermodynamic stability) performed at Invitae indicates that this missense variant is not expected to disrupt KMT2A protein function. This variant has not been reported in the literature in individuals affected with KMT2A-related conditions. This variant is not present in population databases (gnomAD no frequency). This sequence change replaces arginine, which is basic and polar, with serine, which is neutral and polar, at codon 2224 of the KMT2A protein (p.Arg2224Ser).

NM_001197104.2(KMT2A):c.6672G>C (p.Arg2224Ser)

Gene: KMT2A (lysine methyltransferase 2A; plus strand). Cytogenetic location: 11q23.3.
Variant type: single nucleotide variant.
Coding change: c.6672G>C on transcript NM_001197104.2 (MANE Select); coding-DNA position 6672, G replaced by C.
Protein change: p.Arg2224Ser; replaces arginine 2224 with serine.
Molecular consequence: missense variant.
Genome position (GRCh38, 1-based): chr11:118,502,564, G>C. VCF-style: chr11-118502564-G-C. GRCh37 (hg19) VCF-style: chr11-118373279-G-C.
Other names: c.6762G>C, p.Arg2254Ser (NM_001412597.1); c.6663G>C, p.Arg2221Ser (NM_005933.4); short protein forms R2221S, R2224S, R2254S.
Identifiers: ClinVar variation 2129068 (VCV002129068.4), dbSNP rs2496989875, ClinGen allele CA382802629.
Genomic context (GRCh38, chr11:118,502,564, plus strand): 5'-ACCCCAGCGGTCCAAACTCCGGATAATGTCTCCAATGAGAACTGGGAATACTTACTCTAG[G>C]AATAATGTTTCCTCAGTCTCCACCACCGGGACCGCTACTGATCTTGAATCAAGTGCCAAA-3'
Protein context (NP_001184033.1, residues 2214-2234): SPMRTGNTYS[Arg2224Ser]NNVSSVSTTG